The following is an entry in ClinVar:

NM_002470.4(MYH3):c.4522+1G>A

Gene: MYH3 (myosin heavy chain 3; minus strand). Cytogenetic location: 17p13.1.
Variant type: single nucleotide variant.
Coding change: c.4522+1G>A on transcript NM_002470.4 (MANE Select); the canonical splice donor site of the intron after coding-DNA position 4522, G replaced by A.
Molecular consequence: splice donor variant.
Genome position (GRCh38, 1-based): chr17:10,634,016, C>T on the plus strand (G>A on the coding strand, the complement: MYH3 is on the minus strand). VCF-style: chr17-10634016-C-T. GRCh37 (hg19) VCF-style: chr17-10537333-C-T.
Identifiers: ClinVar variation 1980821 (VCV001980821.4), dbSNP rs145236739, ClinGen allele CA8392212.
Genomic context (GRCh38, chr17:10,634,016, plus strand): 5'-GCATGCTCTCGAGCAATAGAGCATGAAAGGAGGAGGTTTCAGAGGGTTTCGAATAGCTTA[C>T]GCTCTAAGTTCTTATTTTCCCGTTTCACAGTTTCAAGTTGATCTAAGGCTTCCTCGTAGG-3'

ClinVar aggregate classification (germline): Likely pathogenic (1 of 4 stars; one submission).

Allele frequency attached by ClinVar (database versions not stated): gnomAD exomes below 0.00001; ExAC 0.00001; gnomAD 0.00001; TOPMed 0.00001; ESP Exome Variant Server 0.00008.
gnomAD v4.1: 5 of 1,613,652 alleles (0.00031%); highest among the groups gnomAD compares: African/African-American, 0.0013%; no homozygotes.

Submission:

Labcorp Genetics (formerly Invitae), Labcorp
Classification: Likely pathogenic. Last evaluated: 2022-11-22. Review status: criteria provided, single submitter. Criteria: Invitae Variant Classification Sherloc (09022015). Collection method: clinical testing. Allele origin: germline.
Comment: In summary, the currently available evidence indicates that the variant is pathogenic, but additional data are needed to prove that conclusively. Therefore, this variant has been classified as Likely Pathogenic. Algorithms developed to predict the effect of sequence changes on RNA splicing suggest that this variant may disrupt the consensus splice site. This variant has not been reported in the literature in individuals affected with MYH3-related conditions. This variant is not present in population databases (gnomAD no frequency). This sequence change affects a donor splice site in intron 32 of the MYH3 gene. It is expected to disrupt RNA splicing. Variants that disrupt the donor or acceptor splice site typically lead to a loss of protein function (PMID: 16199547), and loss-of-function variants in MYH3 are known to be pathogenic (PMID: 29805041, 30008475).

Literature cited by the submitters: PubMed 16199547; PubMed 29805041; PubMed 30008475.